The following is an entry in ClinVar:

ClinVar aggregate classification (germline): Uncertain significance (1 of 4 stars; one submission).

Conditions:
Hereditary cancer-predisposing syndrome. Also called: Neoplastic Syndromes, Hereditary; Tumor predisposition; Hereditary neoplastic syndrome; Hereditary Cancer Syndrome. Identifiers: Orphanet 140162, MedGen C0027672, MeSH D009386, MONDO:0015356.

Submission:

Ambry Genetics
Classification: Uncertain significance for Hereditary cancer-predisposing syndrome. Last evaluated: 2026-08-26. Review status: criteria provided, single submitter. Criteria: Ambry Variant Classification Scheme 2023. Collection method: clinical testing. Allele origin: germline.
Comment: The p.Q202* variant (also known as c.604C>T), located in coding exon 8 of the BRCA1 gene, results from a C to T substitution at nucleotide position 604. This changes the amino acid from a glutamine to a stop codon within coding exon 8. This alteration is expected to result in loss of function by premature protein truncation or nonsense-mediated mRNA decay. However, this variant occurs in an exon that is absent in biologically relevant transcripts (Colombo M et al. Hum. Mol. Genet. 2014 Jul;23:3666-80). Based on the available evidence, the clinical significance of this variant remains unclear.

NM_007294.4(BRCA1):c.604C>T (p.Gln202Ter)

Gene: BRCA1 (BRCA1 DNA repair associated; minus strand). Cytogenetic location: 17q21.31.
Variant type: single nucleotide variant.
Coding change: c.604C>T on transcript NM_007294.4 (MANE Select); coding-DNA position 604, C replaced by T.
Protein change: p.Gln202Ter; replaces glutamine 202 with a stop codon.
Molecular consequence: nonsense. On other transcripts: intron variant (115).
Genome position (GRCh38, 1-based): chr17:43,095,912, G>A on the plus strand (C>T on the coding strand, the complement: BRCA1 is on the minus strand). VCF-style: chr17-43095912-G-A. GRCh37 (hg19) VCF-style: chr17-41247929-G-A.
Other names: c.548-1052C>T (NM_001407664.1, NM_001407648.1, NM_001407680.1 and 34 more transcripts); c.167-1052C>T (NM_001407965.1, NM_001408512.1); c.404-1052C>T (NM_001407930.1, NM_001408504.1, NM_001408503.1 and 5 more transcripts); c.407-1052C>T (NM_001407920.1, NM_001408499.1, NM_001407933.1 and 15 more transcripts); c.335-1052C>T (NM_001407954.1, NM_001407958.1, NM_001407955.1 and 3 more transcripts); c.338-1052C>T (NM_001407952.1, NM_001407950.1, NM_001408502.1 and 7 more transcripts); c.467-1052C>T (NM_001407874.1, NM_001408475.1, NM_001407875.1); c.523C>T, p.Gln175Ter (NM_001408413.1, NM_001408416.1, NM_001407659.1 and 3 more transcripts); and 17 more; short protein forms Q132*, Q175*, Q176*, Q201*, Q75*, Q157*, Q202*, Q131*.
Identifiers: ClinVar variation 5033208 (VCV005033208.1).